The following is an entry in ClinVar:

ClinVar aggregate classification (germline): Pathogenic (1 of 4 stars; one submission).

Conditions:
Early-infantile DEE. Also called: Early infantile epileptic encephalopathy; Early infantile epileptic encephalopathy with suppression bursts; Ohtahara syndrome. Identifiers: Orphanet 1934, MedGen C0393706, MONDO:0800491.

Submission:

Labcorp Genetics (formerly Invitae), Labcorp
Classification: Pathogenic for Early-infantile DEE. Last evaluated: 2023-12-07. Review status: criteria provided, single submitter. Criteria: Invitae Variant Classification Sherloc (09022015). Collection method: clinical testing. Allele origin: germline.
Comment: This sequence change replaces serine, which is neutral and polar, with proline, which is neutral and non-polar, at codon 1773 of the SCN1A protein (p.Ser1773Pro). This variant is not present in population databases (gnomAD no frequency). This missense change has been observed in individual(s) with clinical features of SCN1A-related conditions (Invitae). In at least one individual the variant was observed to be de novo. Advanced modeling of protein sequence and biophysical properties (such as structural, functional, and spatial information, amino acid conservation, physicochemical variation, residue mobility, and thermodynamic stability) performed at Invitae indicates that this missense variant is expected to disrupt SCN1A protein function with a positive predictive value of 95%. This variant disrupts the p.Ser1773 amino acid residue in SCN1A. Other variant(s) that disrupt this residue have been determined to be pathogenic (PMID: 29100083; Invitae). This suggests that this residue is clinically significant, and that variants that disrupt this residue are likely to be disease-causing. For these reasons, this variant has been classified as Pathogenic.

Literature cited by the submitters: PubMed 29100083.

NM_001165963.4(SCN1A):c.5317T>C (p.Ser1773Pro)

Genes: SCN1A (sodium voltage-gated channel alpha subunit 1; minus strand), LOC102724058 (uncharacterized LOC102724058; plus strand). Cytogenetic location: 2q24.3.
Variant type: single nucleotide variant.
Coding change: c.5317T>C on transcript NM_001165963.4 (MANE Select); coding-DNA position 5317, T replaced by C.
Protein change: p.Ser1773Pro; replaces serine 1773 with proline.
Molecular consequence: missense variant. On other transcripts: non-coding transcript variant (1).
Genome position (GRCh38, 1-based): chr2:165,991,958, A>G on the plus strand (T>C on the coding strand, the complement: SCN1A is on the minus strand). VCF-style: chr2-165991958-A-G. GRCh37 (hg19) VCF-style: chr2-166848468-A-G.
Other names: c.5233T>C, p.Ser1745Pro (NM_001165964.3, NM_001353957.2, NM_001353958.2); c.5317T>C, p.Ser1773Pro (NM_001202435.3, NM_001353948.2); c.5284T>C, p.Ser1762Pro (NM_001353949.2, NM_001353950.2, NM_001353951.2 and 2 more transcripts); c.5281T>C, p.Ser1761Pro (NM_001353954.2, NM_001353955.2); c.5230T>C, p.Ser1744Pro (NM_001353960.2); c.2875T>C, p.Ser959Pro (NM_001353961.2); short protein forms S1745P, S1744P, S1762P, S1773P, S1761P, S959P.
Identifiers: ClinVar variation 2817041 (VCV002817041.3), dbSNP rs2468333726, ClinGen allele CA349068177.